The following is an entry in ClinVar:

ClinVar aggregate classification (germline): Uncertain significance (1 of 4 stars; one submission).

Submission:

Labcorp Genetics (formerly Invitae), Labcorp
Classification: Uncertain significance. Last evaluated: 2025-08-15. Review status: criteria provided, single submitter. Criteria: Invitae Variant Classification Sherloc (09022015). Collection method: clinical testing. Allele origin: germline.
Comment: This sequence change replaces proline, which is neutral and non-polar, with arginine, which is basic and polar, at codon 309 of the SERPINB8 protein (p.Pro309Arg). This variant is not present in population databases (gnomAD no frequency). This variant has not been reported in the literature in individuals affected with SERPINB8-related conditions. Invitae Evidence Modeling of protein sequence and biophysical properties (such as structural, functional, and spatial information, amino acid conservation, physicochemical variation, residue mobility, and thermodynamic stability) indicates that this missense variant is not expected to disrupt SERPINB8 protein function with a negative predictive value of 80%. In summary, the available evidence is currently insufficient to determine the role of this variant in disease. Therefore, it has been classified as a Variant of Uncertain Significance.

NM_002640.4(SERPINB8):c.926C>G (p.Pro309Arg)

Gene: SERPINB8 (serpin family B member 8; plus strand). Cytogenetic location: 18q22.1.
Variant type: single nucleotide variant.
Coding change: c.926C>G on transcript NM_002640.4 (MANE Select); coding-DNA position 926, C replaced by G.
Protein change: p.Pro309Arg; replaces proline 309 with arginine.
Molecular consequence: missense variant. On other transcripts: 3 prime UTR variant (2), non-coding transcript variant (1), intron variant (1).
Genome position (GRCh38, 1-based): chr18:63,987,079, C>G. VCF-style: chr18-63987079-C-G. GRCh37 (hg19) VCF-style: chr18-61654313-C-G.
Other names: c.380C>G, p.Pro127Arg (NM_001276490.2); c.*93C>G (NM_001348368.2, NM_001348369.2); c.386C>G, p.Pro129Arg (NM_001348370.2); c.926C>G, p.Pro309Arg (NM_001366198.1, NM_198833.2); c.720+1834C>G (NM_001348367.2); short protein forms P127R, P129R, P309R.
Identifiers: ClinVar variation 4742016 (VCV004742016.1).
Genomic context (GRCh38, chr18:63,987,079, plus strand): 5'-TCGATGCTTTTGACGAAGCCAAGGCAGACTTTTCTGGAATGTCAACTGAGAAGAATGTGC[C>G]TCTGTCCAAGGTTGCCCACAAGTGCTTCGTGGAGGTCAATGAGGAAGGCACAGAGGCTGC-3'
Protein context (NP_002631.3, residues 299-319): FSGMSTEKNV[Pro309Arg]LSKVAHKCFV